The following is an entry in ClinVar:

ClinVar aggregate classification (germline): Uncertain significance. Review status: criteria provided, multiple submitters, no conflicts (2 of 4 stars). 3 submissions from 3 submitters: Uncertain significance (3). Last evaluated 2023-01-03.

Conditions:
Neonatal diabetes mellitus with congenital hypothyroidism. Also called: NDH SYNDROME. Identifiers: Orphanet 79118, MedGen C1857775, MONDO:0012436, OMIM 610199.

Allele frequency attached by ClinVar (database versions not stated): gnomAD 0.00001 and 0.00003; TOPMed 0.00002; ExAC 0.00008.
gnomAD v4.1: 105 of 1,579,760 alleles (0.0066%); highest among the groups gnomAD compares: East Asian, 0.14%; no homozygotes.

Submissions (3):

GeneDx
Classification: Uncertain significance. Last evaluated: 2023-01-03. Review status: criteria provided, single submitter. Criteria: GeneDx Variant Classification Process June 2021. Collection method: clinical testing. Allele origin: germline. Affected: yes.
Comment: Reported in a patient with congenital hypothyroidism in published literature (de Filippis et al. 2017); however, patient-level information is limited; In silico analysis supports that this missense variant does not alter protein structure/function; This variant is associated with the following publications: (PMID: Xu2022[abstract], 28444304)

Fulgent Genetics
Classification: Uncertain significance for Neonatal diabetes mellitus with congenital hypothyroidism. Last evaluated: 2022-03-04. Review status: criteria provided, single submitter. Criteria: ACMG Guidelines, 2015. Collection method: clinical testing. Allele origin: unknown.

Labcorp Genetics (formerly Invitae), Labcorp
Classification: Uncertain significance. Last evaluated: 2021-08-26. Review status: criteria provided, single submitter. Criteria: Invitae Variant Classification Sherloc (09022015). Collection method: clinical testing. Allele origin: germline.
Comment: In summary, the available evidence is currently insufficient to determine the role of this variant in disease. Therefore, it has been classified as a Variant of Uncertain Significance. Algorithms developed to predict the effect of missense changes on protein structure and function output the following: SIFT: "Tolerated"; PolyPhen-2: "Possibly Damaging"; Align-GVGD: "Class C0". The aspartic acid amino acid residue is found in multiple mammalian species, which suggests that this missense change does not adversely affect protein function. This variant is also known as E472D. This missense change has been observed in individual(s) with congenital hypothyroidism (PMID: 28444304). This variant is present in population databases (rs772552747, ExAC 0.1%). This sequence change replaces glutamic acid with aspartic acid at codon 317 of the GLIS3 protein (p.Glu317Asp). The glutamic acid residue is highly conserved and there is a small physicochemical difference between glutamic acid and aspartic acid.

Literature cited by the submitters: PubMed 28444304 (cited by Labcorp Genetics (formerly Invitae), Labcorp).

NM_001042413.2(GLIS3):c.1416G>T (p.Glu472Asp)

Gene: GLIS3 (GLIS family zinc finger 3; minus strand). Cytogenetic location: 9p24.2.
Variant type: single nucleotide variant.
Coding change: c.1416G>T on transcript NM_001042413.2 (MANE Select); coding-DNA position 1416, G replaced by T.
Protein change: p.Glu472Asp; replaces glutamic acid 472 with aspartic acid.
Molecular consequence: missense variant.
Genome position (GRCh38, 1-based): chr9:4,118,062, C>A on the plus strand (G>T on the coding strand, the complement: GLIS3 is on the minus strand). VCF-style: chr9-4118062-C-A. GRCh37 (hg19) VCF-style: chr9-4118062-C-A.
Other names: c.951G>T (NM_152629.3); c.951G>T, p.Glu317Asp (NM_152629.4); short protein forms E472D, E317D.
Identifiers: ClinVar variation 1367887 (VCV001367887.5), dbSNP rs772552747, ClinGen allele CA4968200.